The following is an entry in ClinVar:

ClinVar aggregate classification (germline): Conflicting classifications of pathogenicity. Review status: criteria provided, conflicting classifications (1 of 4 stars). 7 submissions from 7 submitters: Uncertain significance (6); Benign (1). Last evaluated 2026-03-10.

Conditions:
Cardiovascular phenotype. Identifiers: MedGen CN230736.
Arrhythmogenic cardiomyopathy with wooly hair and keratoderma. Also called: PALMOPLANTAR KERATODERMA WITH LEFT VENTRICULAR CARDIOMYOPATHY AND WOOLLY HAIR; Carvajal syndrome; Dilated cardiomyopathy with woolly hair and keratoderma; Arrhythmogenic cardiomyopathy with woolly hair and keratoderma. Identifiers: Orphanet 65282, MedGen C1854063, MONDO:0011581, OMIM 605676.
Arrhythmogenic right ventricular dysplasia 8 (ARVD8). Also called: Arrhythmogenic Right Ventricular Dysplasia/Cardiomyopathy 8; ARRHYTHMOGENIC RIGHT VENTRICULAR CARDIOMYOPATHY 8; ARRHYTHMOGENIC RIGHT VENTRICULAR DYSPLASIA, FAMILIAL, 8. Identifiers: MedGen C1843896, MONDO:0011831, OMIM 607450.
DSP-related disorder. Also called: DSP-related condition; DSP-related disorders.
Cardiomyopathy, dilated, with wooly hair, keratoderma, and tooth agenesis. Also called: Cardiomyopathy, dilated, with woolly hair, keratoderma, and tooth agenesis; Erythrokeratodermia-cardiomyopathy syndrome. Identifiers: Orphanet 476096, Orphanet 65282, MedGen C4014393, MONDO:0014355, OMIM 615821.
Keratosis palmoplantaris striata 2. Also called: KERATODERMA, PALMOPLANTAR, STRIATE FORM II; STRIATE PALMOPLANTAR KERATODERMA II; Keratosis palmoplantaris striata II. Identifiers: MedGen C1852127, MONDO:0013034, OMIM 612908.
Woolly hair-skin fragility syndrome (WHSF). Identifiers: Orphanet 293165, MedGen C1843292, MONDO:0957307, OMIM 620415.
Lethal acantholytic epidermolysis bullosa (EBLA). Identifiers: Orphanet 158687, MedGen C1864826, MONDO:0012323, OMIM 609638.
Cardiomyopathy (CMYO). Also called: Cardiomyopathies. Identifiers: Orphanet 167848, MedGen C0878544, MONDO:0004994, HP:0001638. Inheritance: Various modes of inheritance.

Allele frequency attached by ClinVar (database versions not stated): gnomAD exomes below 0.00001 and 0.00002; ExAC 0.00002; gnomAD 0.00004 and 0.00006; TOPMed 0.00005; 1000 Genomes Project 30x 0.00016; 1000 Genomes Project 0.00020.
gnomAD v4.1: 13 of 1,614,124 alleles (0.00081%); highest among the groups gnomAD compares: African/African-American, 0.016%; no homozygotes.

Submissions (7):

PreventionGenetics, part of Exact Sciences
Classification: Uncertain significance for DSP-related condition. Last evaluated: 2026-03-10. Review status: criteria provided, single submitter. Criteria: ACMG Guidelines, 2015. Collection method: clinical testing. Allele origin: germline.
Comment: The DSP c.5197G>A variant is predicted to result in the amino acid substitution p.Asp1733Asn. To our knowledge, this variant has not been reported in the literature. This variant is reported in 0.020% of alleles in individuals of African descent in gnomAD. At this time, the clinical significance of this variant is uncertain due to the absence of conclusive functional and genetic evidence.

Labcorp Genetics (formerly Invitae), Labcorp
Classification: Benign for Arrhythmogenic cardiomyopathy with wooly hair and keratoderma; Arrhythmogenic right ventricular dysplasia 8. Last evaluated: 2026-01-20. Review status: criteria provided, single submitter. Criteria: Invitae Variant Classification Sherloc (09022015). Collection method: clinical testing. Allele origin: germline.

Ambry Genetics
Classification: Uncertain significance for Cardiovascular phenotype. Last evaluated: 2024-11-17. Review status: criteria provided, single submitter. Criteria: Ambry Variant Classification Scheme 2023. Collection method: clinical testing. Allele origin: germline.
Comment: The p.D1733N variant (also known as c.5197G>A), located in coding exon 23 of the DSP gene, results from a G to A substitution at nucleotide position 5197. The aspartic acid at codon 1733 is replaced by asparagine, an amino acid with highly similar properties. This amino acid position is conserved. In addition, this alteration is predicted to be tolerated by in silico analysis. Based on the available evidence, the clinical significance of this variant remains unclear.

All of Us Research Program, National Institutes of Health
Classification: Uncertain significance for Arrhythmogenic cardiomyopathy with wooly hair and keratoderma. Last evaluated: 2024-05-09. Review status: criteria provided, single submitter. Criteria: ACMG Guidelines, 2015. Collection method: clinical testing. Allele origin: germline. Inheritance: Autosomal dominant inheritance. Observed: 3 variant alleles, 3 heterozygotes.
Comment: This missense variant replaces aspartic acid with asparagine at codon 1733 of the DSP protein. Computational prediction is inconclusive regarding the impact of this variant on protein structure and function (internally defined REVEL score threshold 0.5 < inconclusive < 0.7, PMID: 27666373). To our knowledge, functional studies have not been reported for this variant. This variant has not been reported in individuals affected with cardiovascular disorders in the literature. This variant has been identified in 5/282758 chromosomes in the general population by the Genome Aggregation Database (gnomAD). The available evidence is insufficient to determine the role of this variant in disease conclusively. Therefore, this variant is classified as a Variant of Uncertain Significance.

This study involves interpretation of variants in research participants for the purpose of population health screening. Participant phenotype was not available at the time of variant classification. Additional details can be found in publication PMID: 35346344, PMCID: PMC8962531

Color Diagnostics, LLC DBA Color Health
Classification: Uncertain significance for Cardiomyopathy. Last evaluated: 2024-03-06. Review status: criteria provided, single submitter. Criteria: ACMG Guidelines, 2015. Collection method: clinical testing. Allele origin: germline.
Comment: This missense variant replaces aspartic acid with asparagine at codon 1733 of the DSP protein. Computational prediction is inconclusive regarding the impact of this variant on protein structure and function (internally defined REVEL score threshold 0.5 < inconclusive < 0.7, PMID: 27666373). To our knowledge, functional studies have not been reported for this variant. This variant has not been reported in individuals affected with cardiovascular disorders in the literature. This variant has been identified in 5/282758 chromosomes in the general population by the Genome Aggregation Database (gnomAD). The available evidence is insufficient to determine the role of this variant in disease conclusively. Therefore, this variant is classified as a Variant of Uncertain Significance.

Women's Health and Genetics/Laboratory Corporation of America, LabCorp
Classification: Uncertain significance. Last evaluated: 2023-09-03. Review status: criteria provided, single submitter. Criteria: LabCorp Variant Classification Summary - May 2015. Collection method: clinical testing. Allele origin: germline.

Fulgent Genetics
Classification: Uncertain significance for Arrhythmogenic cardiomyopathy with wooly hair and keratoderma; Arrhythmogenic right ventricular dysplasia 8; Lethal acantholytic epidermolysis bullosa; Keratosis palmoplantaris striata 2; Cardiomyopathy, dilated, with wooly hair, keratoderma, and tooth agenesis. Last evaluated: 2021-12-05. Review status: criteria provided, single submitter. Criteria: ACMG Guidelines, 2015. Collection method: clinical testing. Allele origin: unknown.

NM_004415.4(DSP):c.5197G>A (p.Asp1733Asn)

Gene: DSP (desmoplakin; plus strand). Cytogenetic location: 6p24.3.
Variant type: single nucleotide variant.
Coding change: c.5197G>A on transcript NM_004415.4 (MANE Select); coding-DNA position 5197, G replaced by A.
Protein change: p.Asp1733Asn; replaces aspartic acid 1733 with asparagine.
Molecular consequence: missense variant. On other transcripts: intron variant (2).
Genome position (GRCh38, 1-based): chr6:7,581,387, G>A. VCF-style: chr6-7581387-G-A. GRCh37 (hg19) VCF-style: chr6-7581620-G-A.
Other names: c.5197G>A (NM_004415.3); c.4050+1147G>A (NM_001319034.2); c.3583-1255G>A (NM_001008844.3); short protein forms D1733N.
Identifiers: ClinVar variation 937557 (VCV000937557.20), dbSNP rs138588403, ClinGen allele CA044198.